The following is an entry in ClinVar:

ClinVar aggregate classification (germline): Pathogenic (1 of 4 stars; one submission).

Conditions:
Duchenne muscular dystrophy (DMD). Also called: Duchenne Muscular Dystrophy (DMD); MUSCULAR DYSTROPHY, PSEUDOHYPERTROPHIC PROGRESSIVE, DUCHENNE TYPE. Identifiers: Orphanet 98896, MedGen C0013264, MONDO:0010679, OMIM 310200.

Submission:

Labcorp Genetics (formerly Invitae), Labcorp
Classification: Pathogenic for Duchenne muscular dystrophy. Last evaluated: 2022-02-12. Review status: criteria provided, single submitter. Criteria: Invitae Variant Classification Sherloc (09022015). Collection method: clinical testing. Allele origin: germline.
Comment: For these reasons, this variant has been classified as Pathogenic. This variant has not been reported in the literature in individuals affected with DMD-related conditions. This variant is a gross deletion of the genomic region encompassing exon(s) 65-70 of the DMD gene. This deletion is out-of-frame, and is expected to create a premature termination codon and result in an absent or disrupted protein product. Loss-of-function variants in DMD are known to be pathogenic (PMID: 16770791, 25007885).

Literature cited by the submitters: PubMed 16770791; PubMed 25007885.

NC_000023.10:g.(?_31196766)_(31229031_?)del

Gene: DMD (dystrophin; minus strand). Cytogenetic location: Xp21.2.
Variant type: Deletion.
Identifiers: ClinVar variation 2424935 (VCV002424935.5).